The following is an entry in ClinVar:

NM_003242.6(TGFBR2):c.535G>A (p.Ala179Thr)

Gene: TGFBR2 (transforming growth factor beta receptor 2; plus strand). Cytogenetic location: 3p24.1.
Variant type: single nucleotide variant.
Coding change: c.535G>A on transcript NM_003242.6 (MANE Select); coding-DNA position 535, G replaced by A.
Protein change: p.Ala179Thr; replaces alanine 179 with threonine.
Molecular consequence: missense variant. On other transcripts: intron variant (1).
Genome position (GRCh38, 1-based): chr3:30,671,718, G>A. VCF-style: chr3-30671718-G-A. GRCh37 (hg19) VCF-style: chr3-30713210-G-A.
Other names: c.610G>A, p.Ala204Thr (NM_001024847.3); c.718G>A, p.Ala240Thr (NM_001407126.1); c.643G>A, p.Ala215Thr (NM_001407127.1); c.562G>A, p.Ala188Thr (NM_001407128.1); c.538G>A, p.Ala180Thr (NM_001407129.1); c.535G>A, p.Ala179Thr (NM_001407130.1); c.430G>A, p.Ala144Thr (NM_001407132.1, NM_001407133.1, NM_001407134.1 and 2 more transcripts); c.250G>A, p.Ala84Thr (NM_001407137.1); and 2 more; short protein forms A179T, A188T, A204T, A215T, A240T, A59T, A84T, A144T.
Identifiers: ClinVar variation 2889633 (VCV002889633.3), dbSNP rs1699340601, ClinGen allele CA351807315.

ClinVar aggregate classification (germline): Uncertain significance (1 of 4 stars; one submission).

Conditions:
Familial thoracic aortic aneurysm and aortic dissection (TAAD). Also called: Thoracic aortic aneurysms and dissections. Identifiers: Orphanet 91387, MedGen C4707243, MONDO:0019625.

Allele frequency attached by ClinVar (database versions not stated): gnomAD exomes below 0.00001.
gnomAD v4.1: 1 of 1,614,202 alleles (0.000062%); highest among the groups gnomAD compares: Non-Finnish European, 0.000085%; no homozygotes.

Submission:

Labcorp Genetics (formerly Invitae), Labcorp
Classification: Uncertain significance for Familial thoracic aortic aneurysm and aortic dissection. Last evaluated: 2022-12-11. Review status: criteria provided, single submitter. Criteria: Invitae Variant Classification Sherloc (09022015). Collection method: clinical testing. Allele origin: germline.
Comment: This sequence change replaces alanine, which is neutral and non-polar, with threonine, which is neutral and polar, at codon 179 of the TGFBR2 protein (p.Ala179Thr). This variant is not present in population databases (gnomAD no frequency). This variant has not been reported in the literature in individuals affected with TGFBR2-related conditions. Advanced modeling of protein sequence and biophysical properties (such as structural, functional, and spatial information, amino acid conservation, physicochemical variation, residue mobility, and thermodynamic stability) performed at Invitae indicates that this missense variant is not expected to disrupt TGFBR2 protein function. In summary, the available evidence is currently insufficient to determine the role of this variant in disease. Therefore, it has been classified as a Variant of Uncertain Significance.